The following is an entry in ClinVar:

NM_001370100.5(ZMYND11):c.47A>G (p.Gln16Arg)

Gene: ZMYND11 (zinc finger MYND-type containing 11; plus strand). Cytogenetic location: 10p15.3.
Variant type: single nucleotide variant.
Coding change: c.47A>G on transcript NM_001370100.5 (MANE Select); coding-DNA position 47, A replaced by G.
Protein change: p.Gln16Arg; replaces glutamine 16 with arginine.
Molecular consequence: missense variant. On other transcripts: 5 prime UTR variant (3), non-coding transcript variant (1), intron variant (5).
Genome position (GRCh38, 1-based): chr10:180,059, A>G. VCF-style: chr10-180059-A-G. GRCh37 (hg19) VCF-style: chr10-225999-A-G.
Other names: c.47A>G, p.Gln16Arg (NM_001370109.2, NM_001370110.2, NM_001370111.2 and 24 more transcripts); c.-100A>G (NM_001370112.2, NM_001330057.3, NM_001370123.2); c.-4-29830A>G (NM_001370118.2, NM_001370121.2); c.51-29830A>G (NM_001370116.2, NM_001370120.2); c.-34+45167A>G (NM_001370124.3); short protein forms Q16R.
Identifiers: ClinVar variation 3721231 (VCV003721231.2).

ClinVar aggregate classification (germline): Uncertain significance (1 of 4 stars; one submission).

gnomAD v4.1: 2 of 1,613,908 alleles (0.00012%); highest among the groups gnomAD compares: Non-Finnish European, 0.000085%; no homozygotes.

Submission:

Labcorp Genetics (formerly Invitae), Labcorp
Classification: Uncertain significance. Last evaluated: 2024-10-16. Review status: criteria provided, single submitter. Criteria: Invitae Variant Classification Sherloc (09022015). Collection method: clinical testing. Allele origin: germline.
Comment: This sequence change replaces glutamine, which is neutral and polar, with arginine, which is basic and polar, at codon 16 of the ZMYND11 protein (p.Gln16Arg). This variant is not present in population databases (gnomAD no frequency). This variant has not been reported in the literature in individuals affected with ZMYND11-related conditions. An algorithm developed to predict the effect of missense changes on protein structure and function (PolyPhen-2) suggests that this variant is likely to be tolerated. In summary, the available evidence is currently insufficient to determine the role of this variant in disease. Therefore, it has been classified as a Variant of Uncertain Significance.